The following is an entry in ClinVar:

NM_000237.3(LPL):c.721C>T (p.Pro241Ser)

Gene: LPL (lipoprotein lipase; plus strand). Cytogenetic location: 8p21.3.
Variant type: single nucleotide variant.
Coding change: c.721C>T on transcript NM_000237.3 (MANE Select); coding-DNA position 721, C replaced by T.
Protein change: p.Pro241Ser; replaces proline 241 with serine.
Molecular consequence: missense variant.
Genome position (GRCh38, 1-based): chr8:19,954,299, C>T. VCF-style: chr8-19954299-C-T. GRCh37 (hg19) VCF-style: chr8-19811810-C-T.
Other names: short protein forms P241S.
Identifiers: ClinVar variation 1236167 (VCV001236167.9), dbSNP rs2128838194, ClinGen allele CA370468627.

ClinVar aggregate classification (germline): Pathogenic/Likely pathogenic. Review status: criteria provided, multiple submitters, no conflicts (2 of 4 stars). 3 submissions from 3 submitters: Pathogenic (1); Likely pathogenic (2). Last evaluated 2025-11-01.

Conditions:
Hyperlipoproteinemia, type I. Also called: HYPERLIPOPROTEINEMIA, TYPE IA; LPL DEFICIENCY; Familial hyperlipo-proteinemia type 1; Hyperlipemia essential familial; Lipoprotein Lipase Deficiency; Lipase D deficiency. Identifiers: Orphanet 309015, Orphanet 444490, MedGen C0023817, MONDO:0009387, OMIM 238600. Disease mechanism: loss of function.

Allele frequency attached by ClinVar (database versions not stated): gnomAD exomes below 0.00001.

Submissions (3):

CeGaT Center for Human Genetics Tuebingen
Classification: Likely pathogenic. Last evaluated: 2025-11-01. Review status: criteria provided, single submitter. Criteria: CeGaT Center For Human Genetics Tuebingen Variant Classification Criteria Version 2. Collection method: clinical testing. Allele origin: germline. Affected: yes. Observed: 1 variant allele.
Comment: LPL: PM3:Strong, PM2, PP3, PP4

Labcorp Genetics (formerly Invitae), Labcorp
Classification: Pathogenic. Last evaluated: 2024-03-13. Review status: criteria provided, single submitter. Criteria: Invitae Variant Classification Sherloc (09022015). Collection method: clinical testing. Allele origin: germline.
Comment: This sequence change replaces proline, which is neutral and non-polar, with serine, which is neutral and polar, at codon 241 of the LPL protein (p.Pro241Ser). This variant is not present in population databases (gnomAD no frequency). This missense change has been observed in individual(s) with lipoprotein lipase deficiency (PMID: 32472350). In at least one individual the data is consistent with being in trans (on the opposite chromosome) from a pathogenic variant. ClinVar contains an entry for this variant (Variation ID: 1236167). Advanced modeling of protein sequence and biophysical properties (such as structural, functional, and spatial information, amino acid conservation, physicochemical variation, residue mobility, and thermodynamic stability) performed at Invitae indicates that this missense variant is expected to disrupt LPL protein function with a positive predictive value of 80%. For these reasons, this variant has been classified as Pathogenic.

Suma Genomics
Classification: Likely pathogenic for Hyperlipoproteinemia, type I. Review status: criteria provided, single submitter. Criteria: ACMG Guidelines, 2015. Collection method: clinical testing. Allele origin: inherited. Inheritance: Autosomal recessive inheritance. Affected: yes.

Literature cited by the submitters: PubMed 32472350 (cited by Labcorp Genetics (formerly Invitae), Labcorp).